The following is an entry in ClinVar:

NM_000455.5(STK11):c.454C>G (p.Gln152Glu)

Gene: STK11 (serine/threonine kinase 11; plus strand). Cytogenetic location: 19p13.3.
Variant type: single nucleotide variant.
Coding change: c.454C>G on transcript NM_000455.5 (MANE Select); coding-DNA position 454, C replaced by G.
Protein change: p.Gln152Glu; replaces glutamine 152 with glutamic acid.
Molecular consequence: missense variant. On other transcripts: non-coding transcript variant (1).
Genome position (GRCh38, 1-based): chr19:1,219,403, C>G. VCF-style: chr19-1219403-C-G. GRCh37 (hg19) VCF-style: chr19-1219402-C-G.
Other names: c.454C>G, p.Gln152Glu (NM_001407255.1); short protein forms Q152E.
Identifiers: ClinVar variation 3323261 (VCV003323261.1).

ClinVar aggregate classification (germline): Uncertain significance (1 of 4 stars; one submission).

Conditions:
Hereditary cancer-predisposing syndrome. Also called: Neoplastic Syndromes, Hereditary; Tumor predisposition; Hereditary neoplastic syndrome; Hereditary Cancer Syndrome. Identifiers: Orphanet 140162, MedGen C0027672, MeSH D009386, MONDO:0015356.

Submission:

Ambry Genetics
Classification: Uncertain significance for Hereditary cancer-predisposing syndrome. Last evaluated: 2024-03-29. Review status: criteria provided, single submitter. Criteria: Ambry Variant Classification Scheme 2023. Collection method: clinical testing. Allele origin: germline.
Comment: The p.Q152E variant (also known as c.454C>G), located in coding exon 3 of the STK11 gene, results from a C to G substitution at nucleotide position 454. The glutamine at codon 152 is replaced by glutamic acid, an amino acid with highly similar properties. This amino acid position is conserved. In addition, the in silico prediction for this alteration is inconclusive. Based on the available evidence, the clinical significance of this alteration remains unclear.